The following is an entry in ClinVar:

ClinVar aggregate classification (germline): Likely benign. Review status: criteria provided, multiple submitters, no conflicts (2 of 4 stars). 2 submissions from 2 submitters: Likely benign (2). Last evaluated 2025-12-08.

Allele frequency attached by ClinVar (database versions not stated): gnomAD exomes 0.00001 and 0.00003; TOPMed 0.00001; ExAC 0.00003.
gnomAD v4.1: 12 of 1,613,696 alleles (0.00074%); highest among the groups gnomAD compares: Admixed American, 0.013%; no homozygotes.

Submissions (2):

Labcorp Genetics (formerly Invitae), Labcorp
Classification: Likely benign. Last evaluated: 2025-12-08. Review status: criteria provided, single submitter. Criteria: Invitae Variant Classification Sherloc (09022015). Collection method: clinical testing. Allele origin: germline.

Laboratory for Molecular Medicine, Mass General Brigham Personalized Medicine
Classification: Likely benign. Last evaluated: 2014-01-28. Review status: criteria provided, single submitter. Criteria: LMM Criteria. Collection method: clinical testing. Allele origin: germline. Observed: 1 variant allele.
Comment: 4558-13C>T in intron 32: This variant is not expected to have clinical significa nce because it does not cause the splice site sequence to diverge from consensus .

NM_002473.6(MYH9):c.4558-13C>T

Gene: MYH9 (myosin heavy chain 9; minus strand). Cytogenetic location: 22q12.3.
Variant type: single nucleotide variant.
Coding change: c.4558-13C>T on transcript NM_002473.6 (MANE Select); 13 bases into the intron before coding-DNA position 4558, C replaced by T.
Molecular consequence: intron variant.
Genome position (GRCh38, 1-based): chr22:36,288,952, G>A on the plus strand (C>T on the coding strand, the complement: MYH9 is on the minus strand). VCF-style: chr22-36288952-G-A. GRCh37 (hg19) VCF-style: chr22-36684998-G-A.
Identifiers: ClinVar variation 179557 (VCV000179557.7), dbSNP rs727504948, ClinGen allele CA184655.